The following is an entry in ClinVar:

NM_014989.7(RIMS1):c.1083A>G (p.Leu361=)

Gene: RIMS1 (regulating synaptic membrane exocytosis 1; plus strand). Cytogenetic location: 6q13.
Variant type: single nucleotide variant.
Coding change: c.1083A>G on transcript NM_014989.7 (MANE Select); coding-DNA position 1083, A replaced by G.
Protein change: p.Leu361=; no amino-acid change (leucine 361 retained).
Molecular consequence: synonymous variant.
Genome position (GRCh38, 1-based): chr6:72,182,554, A>G. VCF-style: chr6-72182554-A-G. GRCh37 (hg19) VCF-style: chr6-72892257-A-G.
Identifiers: ClinVar variation 95655 (VCV000095655.21), dbSNP rs2463730, ClinGen allele CA148698.
Genomic context (GRCh38, chr6:72,182,554, plus strand): 5'-TGAGGAAAAGCAAAGAAAAGAGGAGGATTATCAGACCAGGTACCGCAGCGACCCGAACCT[A>G]GCTCGGTACCCGGTGAAACCGCCGCCTGAGGAGCAGCAGATGCGCATGCACGCCCGGGTG-3'
Protein context (NP_055804.2, residues 351-371): YQTRYRSDPN[Leu361=]ARYPVKPPPE

ClinVar aggregate classification (germline): Benign. Review status: criteria provided, multiple submitters, no conflicts (2 of 4 stars). 6 submissions from 6 submitters: Benign (6). Last evaluated 2026-02-04.

Conditions:
Cone-rod dystrophy 7 (CORD7). Identifiers: Orphanet 1872, MedGen C1863634, MONDO:0011355, OMIM 603649.

Allele frequency attached by ClinVar (database versions not stated): gnomAD 0.97497 and 0.97673; 1000 Genomes Project 30x 0.97189; gnomAD exomes 0.99496; TOPMed 0.97312; ESP Exome Variant Server 0.97435; 1000 Genomes Project 0.97464; ExAC 0.99227.
gnomAD v4.1: 1,545,938 of 1,552,564 alleles (100%); highest among the groups gnomAD compares: East Asian, 100%; 769,869 homozygotes.

Submissions (6):

Labcorp Genetics (formerly Invitae), Labcorp
Classification: Benign. Last evaluated: 2026-02-04. Review status: criteria provided, single submitter. Criteria: Invitae Variant Classification Sherloc (09022015). Collection method: clinical testing. Allele origin: germline.

Genome-Nilou Lab
Classification: Benign for Cone-rod dystrophy 7. Last evaluated: 2021-11-07. Review status: criteria provided, single submitter. Criteria: ACMG Guidelines, 2015. Collection method: clinical testing. Allele origin: germline. Affected: no.

GeneDx
Classification: Benign. Last evaluated: 2018-04-26. Review status: criteria provided, single submitter. Criteria: GeneDx Variant Classification (06012015). Collection method: clinical testing. Allele origin: germline. Affected: yes.
Comment: This variant is considered likely benign or benign based on one or more of the following criteria: it is a conservative change, it occurs at a poorly conserved position in the protein, it is predicted to be benign by multiple in silico algorithms, and/or has population frequency not consistent with disease.

Illumina Laboratory Services, Illumina
Classification: Benign for Cone-rod dystrophy 7. Last evaluated: 2018-01-13. Review status: criteria provided, single submitter. Criteria: ICSL Variant Classification Criteria 13 December 2019. Collection method: clinical testing. Allele origin: germline.
Comment: This variant was observed in the ICSL laboratory as part of a predisposition screen in an ostensibly healthy population. It had not been previously curated by ICSL or reported in the Human Gene Mutation Database (HGMD: prior to June 1st, 2018), and was therefore a candidate for classification through an automated scoring system. Utilizing variant allele frequency, disease prevalence and penetrance estimates, and inheritance mode, an automated score was calculated to assess if this variant is too frequent to cause the disease. Based on the score and internal cut-off values, a variant classified as benign is not then subjected to further curation. The score for this variant resulted in a classification of benign for this disease.

Eurofins Ntd Llc (ga)
Classification: Benign. Last evaluated: 2016-09-19. Review status: criteria provided, single submitter. Criteria: EGL Classification Definitions 2015. Collection method: clinical testing. Allele origin: germline. Observed: 40 variant alleles, 1 heterozygote, 39 homozygotes.

PreventionGenetics, part of Exact Sciences
Classification: Benign. Review status: criteria provided, single submitter. Criteria: ACMG Guidelines, 2015. Collection method: clinical testing. Allele origin: germline.